The following is an entry in ClinVar:

NM_019098.5(CNGB3):c.542C>T (p.Thr181Ile)

Gene: CNGB3 (cyclic nucleotide gated channel subunit beta 3; minus strand). Cytogenetic location: 8q21.3.
Variant type: single nucleotide variant.
Coding change: c.542C>T on transcript NM_019098.5 (MANE Select); coding-DNA position 542, C replaced by T.
Protein change: p.Thr181Ile; replaces threonine 181 with isoleucine.
Molecular consequence: missense variant.
Genome position (GRCh38, 1-based): chr8:86,668,120, G>A on the plus strand (C>T on the coding strand, the complement: CNGB3 is on the minus strand). VCF-style: chr8-86668120-G-A. GRCh37 (hg19) VCF-style: chr8-87680348-G-A.
Other names: short protein forms T181I.
Identifiers: ClinVar variation 2186761 (VCV002186761.3), dbSNP rs1823780157, ClinGen allele CA371449913.

ClinVar aggregate classification (germline): Uncertain significance (1 of 4 stars; one submission).

Allele frequency attached by ClinVar (database versions not stated): gnomAD exomes below 0.00001.

Submission:

Labcorp Genetics (formerly Invitae), Labcorp
Classification: Uncertain significance. Last evaluated: 2024-08-12. Review status: criteria provided, single submitter. Criteria: Invitae Variant Classification Sherloc (09022015). Collection method: clinical testing. Allele origin: germline.
Comment: This sequence change replaces threonine, which is neutral and polar, with isoleucine, which is neutral and non-polar, at codon 181 of the CNGB3 protein (p.Thr181Ile). This variant is not present in population databases (gnomAD no frequency). This variant has not been reported in the literature in individuals affected with CNGB3-related conditions. ClinVar contains an entry for this variant (Variation ID: 2186761). Advanced modeling of protein sequence and biophysical properties (such as structural, functional, and spatial information, amino acid conservation, physicochemical variation, residue mobility, and thermodynamic stability) performed at Invitae indicates that this missense variant is not expected to disrupt CNGB3 protein function with a negative predictive value of 80%. Algorithms developed to predict the effect of sequence changes on RNA splicing suggest that this variant may disrupt the consensus splice site. In summary, the available evidence is currently insufficient to determine the role of this variant in disease. Therefore, it has been classified as a Variant of Uncertain Significance.